The following is an entry in ClinVar:

ClinVar aggregate classification (germline): Uncertain significance. Review status: criteria provided, multiple submitters, no conflicts (2 of 4 stars). 2 submissions from 2 submitters: Uncertain significance (2). Last evaluated 2023-07-07.

Conditions:
Juvenile polyposis syndrome (JPS). Identifiers: Orphanet 2929, MedGen C0345893, MONDO:0017380, OMIM 174900.
Hereditary cancer-predisposing syndrome. Also called: Hereditary Cancer Syndrome; Hereditary neoplastic syndrome; Tumor predisposition; Neoplastic Syndromes, Hereditary. Identifiers: Orphanet 140162, MedGen C0027672, MeSH D009386, MONDO:0015356.

Submissions (2):

Labcorp Genetics (formerly Invitae), Labcorp
Classification: Uncertain significance for Juvenile polyposis syndrome. Last evaluated: 2023-07-07. Review status: criteria provided, single submitter. Criteria: Invitae Variant Classification Sherloc (09022015). Collection method: clinical testing. Allele origin: germline.
Comment: This sequence change falls in intron 11 of the BMPR1A gene. It does not directly change the encoded amino acid sequence of the BMPR1A protein. Information on the frequency of this variant in the gnomAD database is not available, as this variant may be reported differently in the database. This variant has not been reported in the literature in individuals affected with BMPR1A-related conditions. Experimental studies and prediction algorithms are not available or were not evaluated, and the effect of this variant on mRNA splicing is currently unknown. In summary, the available evidence is currently insufficient to determine the role of this variant in disease. Therefore, it has been classified as a Variant of Uncertain Significance.

Color Diagnostics, LLC DBA Color Health
Classification: Uncertain significance for Hereditary cancer-predisposing syndrome. Last evaluated: 2019-04-17. Review status: criteria provided, single submitter. Criteria: ACMG Guidelines, 2015. Collection method: clinical testing. Allele origin: germline.

NM_004329.3(BMPR1A):c.1343-11_1343-10delinsCG

Gene: BMPR1A (bone morphogenetic protein receptor type 1A; plus strand). Cytogenetic location: 10q23.2.
Variant type: Indel.
Coding change: c.1343-11_1343-10delinsCG on transcript NM_004329.3 (MANE Select); 11 bases into the intron before coding-DNA position 1343 through 10 bases into the intron before coding-DNA position 1343, TT replaced by CG.
Molecular consequence: intron variant.
Genome position (GRCh38, 1-based): chr10:86,923,365-86,923,366, TT replaced by CG. VCF-style: chr10-86923365-TT-CG. GRCh37 (hg19) VCF-style: chr10-88683122-TT-CG.
Other names: c.1343-11_1343-10delinsCG (NM_001406577.1, NM_001406572.1, NM_001406582.1 and 19 more transcripts); c.1259-11_1259-10delinsCG (NM_001406584.1, NM_001406588.1, NM_001406587.1 and 2 more transcripts); c.1391-11_1391-10delinsCG (NM_001406560.1); c.1418-11_1418-10delinsCG (NM_001406559.1); c.1337-11_1337-10delinsCG (NM_001406583.1); c.1001-11_1001-10delinsCG (NM_001406589.1).
Identifiers: ClinVar variation 2774816 (VCV002774816.5), dbSNP rs2539647529, ClinGen allele CA913188315.
Genomic context (GRCh38, chr10:86,923,365, plus strand): 5'-AGATGCTTACTAGATTGGTATATCTTGTCCAGCAACCATTTTTGTGCCCATGTTTTCTCA[TT>CG]CCCTTATAGGGATCGTGGAAGAATACCAATTGCCATATTACAACATGGTACCGAGTGATC-3'